The following is an entry in ClinVar:

NM_017617.5(NOTCH1):c.2129A>G (p.Asp710Gly)

Gene: NOTCH1 (notch receptor 1; minus strand). Cytogenetic location: 9q34.3.
Variant type: single nucleotide variant.
Coding change: c.2129A>G on transcript NM_017617.5 (MANE Select); coding-DNA position 2129, A replaced by G.
Protein change: p.Asp710Gly; replaces aspartic acid 710 with glycine.
Molecular consequence: missense variant.
Genome position (GRCh38, 1-based): chr9:136,514,588, T>C on the plus strand (A>G on the coding strand, the complement: NOTCH1 is on the minus strand). VCF-style: chr9-136514588-T-C. GRCh37 (hg19) VCF-style: chr9-139409040-T-C.
Other names: short protein forms D710G.
Identifiers: ClinVar variation 4743162 (VCV004743162.1).

ClinVar aggregate classification (germline): Uncertain significance (1 of 4 stars; one submission).

Conditions:
Adams-Oliver syndrome 5 (AOS5). Identifiers: Orphanet 974, MedGen C4014970, MONDO:0014459, OMIM 616028.

Submission:

Labcorp Genetics (formerly Invitae), Labcorp
Classification: Uncertain significance for Adams-Oliver syndrome 5. Last evaluated: 2025-05-22. Review status: criteria provided, single submitter. Criteria: Invitae Variant Classification Sherloc (09022015). Collection method: clinical testing. Allele origin: germline.
Comment: This sequence change replaces aspartic acid, which is acidic and polar, with glycine, which is neutral and non-polar, at codon 710 of the NOTCH1 protein (p.Asp710Gly). This variant is not present in population databases (gnomAD no frequency). This variant has not been reported in the literature in individuals affected with NOTCH1-related conditions. Invitae Evidence Modeling of protein sequence and biophysical properties (such as structural, functional, and spatial information, amino acid conservation, physicochemical variation, residue mobility, and thermodynamic stability) indicates that this missense variant is not expected to disrupt NOTCH1 protein function with a negative predictive value of 80%. In summary, the available evidence is currently insufficient to determine the role of this variant in disease. Therefore, it has been classified as a Variant of Uncertain Significance.